The following is an entry in ClinVar:

NM_001384474.1(LOXHD1):c.6183-2A>C

Gene: LOXHD1 (lipoxygenase homology PLAT domains 1; minus strand). Cytogenetic location: 18q21.1.
Variant type: single nucleotide variant.
Coding change: c.6183-2A>C on transcript NM_001384474.1 (MANE Select); the canonical splice acceptor site of the intron before coding-DNA position 6183, A replaced by C.
Molecular consequence: splice acceptor variant.
Genome position (GRCh38, 1-based): chr18:46,483,747, T>G on the plus strand (A>C on the coding strand, the complement: LOXHD1 is on the minus strand). VCF-style: chr18-46483747-T-G. GRCh37 (hg19) VCF-style: chr18-44063710-T-G.
Other names: c.2850-2A>C (NM_001145472.3); c.2562-2A>C (NM_001308013.2); c.900-2A>C (NM_001173129.2, NM_001145473.3); c.5997-2A>C (NM_144612.7).
Identifiers: ClinVar variation 2763077 (VCV002763077.3), dbSNP rs2511365317, ClinGen allele CA402366187.

ClinVar aggregate classification (germline): Likely pathogenic (1 of 4 stars; one submission).

Submission:

Labcorp Genetics (formerly Invitae), Labcorp
Classification: Likely pathogenic. Last evaluated: 2023-12-11. Review status: criteria provided, single submitter. Criteria: Invitae Variant Classification Sherloc (09022015). Collection method: clinical testing. Allele origin: germline.
Comment: This sequence change affects an acceptor splice site in intron 38 of the LOXHD1 gene. It is expected to disrupt RNA splicing. Variants that disrupt the donor or acceptor splice site typically lead to a loss of protein function (PMID: 16199547), and loss-of-function variants in LOXHD1 are known to be pathogenic (PMID: 19732867, 21465660, 25792669). This variant is not present in population databases (gnomAD no frequency). This variant has not been reported in the literature in individuals affected with LOXHD1-related conditions. Algorithms developed to predict the effect of sequence changes on RNA splicing suggest that this variant may disrupt the consensus splice site. In summary, the currently available evidence indicates that the variant is pathogenic, but additional data are needed to prove that conclusively. Therefore, this variant has been classified as Likely Pathogenic.

Literature cited by the submitters: PubMed 16199547; PubMed 19732867; PubMed 21465660; PubMed 25792669.